The following is an entry in ClinVar:

ClinVar aggregate classification (germline): Uncertain significance. Review status: criteria provided, multiple submitters, no conflicts (2 of 4 stars). 9 submissions from 9 submitters: Uncertain significance (7). 2 of the submissions do not count toward it. Last evaluated 2025-12-31.

Conditions:
PALB2-related disorder. Also called: PALB2-related condition; PALB2-related disorders.
Hereditary cancer-predisposing syndrome. Also called: Neoplastic Syndromes, Hereditary; Tumor predisposition; Hereditary neoplastic syndrome; Hereditary Cancer Syndrome. Identifiers: Orphanet 140162, MedGen C0027672, MeSH D009386, MONDO:0015356.
Familial cancer of breast. Also called: Hereditary breast cancer; BREAST CANCER, FAMILIAL; hereditary breast carcinoma. Identifiers: Orphanet 227535, MedGen C0346153, MONDO:0016419, OMIM 114480. Disease mechanism: loss of function.
Pancreatic cancer, susceptibility to, 3. Identifiers: Orphanet 1333, MedGen C3150547, MONDO:0013236, OMIM 613348.
Fanconi anemia complementation group N. Also called: PALB2-Related Fanconi Anemia. Identifiers: Orphanet 84, MedGen C1835817, MONDO:0012565, OMIM 610832. Disease mechanism: loss of function.
Malignant tumor of breast. Also called: Malignant breast neoplasm; Cancer breast. Identifiers: MedGen C0006142, MONDO:0007254. Disease mechanism: loss of function.

Submissions (9):

PreventionGenetics, part of Exact Sciences
Classification: Uncertain significance for PALB2-related condition. Last evaluated: 2025-12-31. Review status: criteria provided, single submitter. Criteria: ACMG Guidelines, 2015. Collection method: clinical testing. Allele origin: germline.
Comment: The PALB2 c.3418T>G variant is predicted to result in the amino acid substitution p.Trp1140Gly. This variant has been reported in a patient with unilateral breast cancer and a patient with colon cancer (Hartley et al. 2014. PubMed ID: 25225577; Pearlman et al. 2017. PubMed ID: 27978560). This variant has not been reported in a large population database (gnomAD), indicating this variant is rare. This variant is interpreted as uncertain in ClinVar (Variation ID: 183828). At this time, the clinical significance of this variant is uncertain due to the absence of conclusive functional and genetic evidence.

Labcorp Genetics (formerly Invitae), Labcorp
Classification: Uncertain significance for Familial cancer of breast. Last evaluated: 2025-10-29. Review status: criteria provided, single submitter. Criteria: Invitae Variant Classification Sherloc (09022015). Collection method: clinical testing. Allele origin: germline.
Comment: This sequence change replaces tryptophan, which is neutral and slightly polar, with glycine, which is neutral and non-polar, at codon 1140 of the PALB2 protein (p.Trp1140Gly). This variant is not present in population databases (gnomAD no frequency). This missense change has been observed in individual(s) with breast cancer, colon cancer and uveal melanoma (PMID: 25225577, 27978560, 32081490). ClinVar contains an entry for this variant (Variation ID: 183828). An algorithm developed to predict the effect of missense changes on protein structure and function (PolyPhen-2) suggests that this variant is likely to be disruptive. Experimental studies have shown that this missense change affects PALB2 function (PMID: 31586400, 33139182). In summary, the available evidence is currently insufficient to determine the role of this variant in disease. Therefore, it has been classified as a Variant of Uncertain Significance.

Ambry Genetics
Classification: Uncertain significance for Hereditary cancer-predisposing syndrome. Last evaluated: 2025-07-11. Review status: criteria provided, single submitter. Criteria: Ambry Variant Classification Scheme 2023. Collection method: clinical testing. Allele origin: germline.
Comment: The p.W1140G variant (also known as c.3418T>G), located in coding exon 13 of the PALB2 gene, results from a T to G substitution at nucleotide position 3418. The tryptophan at codon 1140 is replaced by glycine, an amino acid with highly dissimilar properties. This variant has been reported in individuals with breast cancer; loss of heterozygosity analysis of tumor tissue in one study did not show loss of the wild-type allele (Hartley T et al. Hered Cancer Clin Pract. 2014 Aug;12:19; Abdel-Rahman MH et al. Ophthalmology, 2020 May;127:668-678; Lerner-Ellis J et al. J Cancer Res Clin Oncol, 2021 Mar;147:871-879). This alteration was found to be functionally normal in a homology-directed DNA repair (HDR) assay (Wiltshire T et al. Genet Med, 2020 Mar;22:622-632). This amino acid position is highly conserved in available vertebrate species. In addition, the in silico prediction for this alteration is inconclusive. Based on the available evidence, the clinical significance of this variant remains unclear.

GeneDx
Classification: Uncertain significance. Last evaluated: 2025-03-25. Review status: criteria provided, single submitter. Criteria: GeneDx Variant Classification Process June 2021. Collection method: clinical testing. Allele origin: germline. Affected: yes.
Comment: Observed in individuals with colorectal cancer, breast cancer, and/or melanoma (PMID: 25225577, 27978560, 32081490); Published functional studies are inconclusive: reduced RAD51 foci formation and sensitivity to PARP inhibitor, and inconsistent homology-directed repair activity (PMID: 31586400, 31636395); In silico analysis supports that this missense variant has a deleterious effect on protein structure/function; Not observed at significant frequency in large population cohorts (gnomAD); This variant is associated with the following publications: (PMID: 25225577, 33195396, 27978560, 31586400, 31636395, 32209438, 32185139, 32081490, 24485656, 19609323, 20871615, 37651980, 33139182)

Color Diagnostics, LLC DBA Color Health
Classification: Uncertain significance for Hereditary cancer-predisposing syndrome. Last evaluated: 2024-11-18. Review status: criteria provided, single submitter. Criteria: ACMG Guidelines, 2015. Collection method: clinical testing. Allele origin: germline.
Comment: This missense variant replaces tryptophan with glycine at codon 1140 of the PALB2 protein. Computational prediction is inconclusive regarding the impact of this variant on protein structure and function. Functional studies have conflicting reports that this variant is functionally abnormal in PARP inhibitor sensitivity, BRCA2 interaction, DNA damage-induced subcellular localization and RAD51 foci formation assays and in a homology-mediated DNA repair assay (PMID: 31586400, 33139182), but a different homology-mediated DNA repair assay found the variant protein to be functionally normal (PMID: 31636395). This variant has been observed in one individual each affected with early-onset breast cancer (PMID: 25225577), colorectal cancer (PMID: 27978560), breast and skin cancer (PMID: 32081490). This variant has not been identified in the general population by the Genome Aggregation Database (gnomAD). The available evidence is insufficient to determine the role of this variant in disease conclusively. Therefore, this variant is classified as a Variant of Uncertain Significance.

Baylor Genetics
Classification: Uncertain significance for Familial cancer of breast. Last evaluated: 2023-09-29. Review status: criteria provided, single submitter. Criteria: ACMG Guidelines, 2015. Collection method: clinical testing. Allele origin: unknown.

Fulgent Genetics
Classification: Uncertain significance for Familial cancer of breast; Fanconi anemia complementation group N; Pancreatic cancer, susceptibility to, 3. Last evaluated: 2022-04-16. Review status: criteria provided, single submitter. Criteria: ACMG Guidelines, 2015. Collection method: clinical testing. Allele origin: unknown.

Leiden Open Variation Database
Classification: Uncertain significance for Familial cancer of breast. Last evaluated: 2019-05-13. Review status: no assertion criteria provided. Collection method: curation. Allele origin: germline. Affected: yes. Not counted in ClinVar's aggregate classification.
Comment: Curators: Marc Tischkowitz, Arleen D. Auerbach. Submitter to LOVD: Marc Tischkowitz.

Department of Pathology and Laboratory Medicine, Sinai Health System
Classification: Uncertain significance for Malignant tumor of breast. Review status: no assertion criteria provided. Collection method: clinical testing. Allele origin: unknown. Affected: yes. Study: The Canadian Open Genetics Repository (COGR). Not counted in ClinVar's aggregate classification.
Comment: The PALB2 p.Trp1140Gly variant was identified in the literature in a tumour sample from a patient with breast cancer (Hartley 2014). The variant was also identified in dbSNP (ID: rs62625283) as "With Uncertain significance allele", ClinVar (classified as uncertain significance by Invitae, Ambry Genetics, GeneDx and Color), and in LOVD 3.0 (1x). The variant was not identified in the following control databases: the Exome Aggregation Consortium (August 8th 2016) or the Genome Aggregation Database (Feb 27, 2017). The p.Trp1140 residue is conserved across mammals and other organisms, and 5 of 5 computational analyses (PolyPhen-2, SIFT, AlignGVGD, BLOSUM, MutationTaster) suggest that the variant may impact the protein; however, this information is not predictive enough to assume pathogenicity. The variant occurs outside of the splicing consensus sequence and in silico or computational prediction software programs (SpliceSiteFinder, MaxEntScan, NNSPLICE, GeneSplicer) do not predict a difference in splicing. In summary, based on the above information, the clinical significance of this variant cannot be determined with certainty at this time. This variant is classified as a variant of uncertain significance.

Literature cited by the submitters: PubMed 25225577 (cited by 3 submitters); PubMed 27978560 (cited by Labcorp Genetics (formerly Invitae), Labcorp and Color Diagnostics, LLC DBA Color Health); PubMed 32081490 (cited by 3 submitters); PubMed 31586400 (cited by Labcorp Genetics (formerly Invitae), Labcorp and Color Diagnostics, LLC DBA Color Health); PubMed 33139182 (cited by Labcorp Genetics (formerly Invitae), Labcorp and Color Diagnostics, LLC DBA Color Health); PubMed 31636395 (cited by Ambry Genetics and Color Diagnostics, LLC DBA Color Health); PubMed 32885271 (cited by Ambry Genetics).

NM_024675.4(PALB2):c.3418T>G (p.Trp1140Gly)

Gene: PALB2 (partner and localizer of BRCA2; minus strand). Cytogenetic location: 16p12.2.
Variant type: single nucleotide variant.
Coding change: c.3418T>G on transcript NM_024675.4 (MANE Select); coding-DNA position 3418, T replaced by G.
Protein change: p.Trp1140Gly; replaces tryptophan 1140 with glycine.
Molecular consequence: missense variant.
Genome position (GRCh38, 1-based): chr16:23,603,602, A>C on the plus strand (T>G on the coding strand, the complement: PALB2 is on the minus strand). VCF-style: chr16-23603602-A-C. GRCh37 (hg19) VCF-style: chr16-23614923-A-C.
Other names: short protein forms W1140G.
Identifiers: ClinVar variation 183828 (VCV000183828.33), dbSNP rs62625283, ClinGen allele CA186642.